The following is an entry in ClinVar:

NM_004304.5(ALK):c.1595C>A (p.Ala532Asp)

Gene: ALK (ALK receptor tyrosine kinase; minus strand). Cytogenetic location: 2p23.2.
Variant type: single nucleotide variant.
Coding change: c.1595C>A on transcript NM_004304.5 (MANE Select); coding-DNA position 1595, C replaced by A.
Protein change: p.Ala532Asp; replaces alanine 532 with aspartic acid.
Molecular consequence: missense variant.
Genome position (GRCh38, 1-based): chr2:29,318,356, G>T on the plus strand (C>A on the coding strand, the complement: ALK is on the minus strand). VCF-style: chr2-29318356-G-T. GRCh37 (hg19) VCF-style: chr2-29541222-G-T.
Other names: short protein forms A532D.
Identifiers: ClinVar variation 3524686 (VCV003524686.1).

ClinVar aggregate classification (germline): Uncertain significance (1 of 4 stars; one submission).

Conditions:
Hereditary cancer-predisposing syndrome. Also called: Hereditary Cancer Syndrome; Hereditary neoplastic syndrome; Tumor predisposition; Neoplastic Syndromes, Hereditary. Identifiers: Orphanet 140162, MedGen C0027672, MeSH D009386, MONDO:0015356.

Submission:

Ambry Genetics
Classification: Uncertain significance for Hereditary cancer-predisposing syndrome. Last evaluated: 2024-09-16. Review status: criteria provided, single submitter. Criteria: Ambry Variant Classification Scheme 2023. Collection method: clinical testing. Allele origin: germline.
Comment: The p.A532D variant (also known as c.1595C>A), located in coding exon 8 of the ALK gene, results from a C to A substitution at nucleotide position 1595. The alanine at codon 532 is replaced by aspartic acid, an amino acid with dissimilar properties. This amino acid position is conserved. In addition, this alteration is predicted to be tolerated by in silico analysis. Based on the available evidence, the clinical significance of this variant remains unclear.